The following is an entry in ClinVar:

ClinVar aggregate classification (germline): Benign/Likely benign. Review status: criteria provided, multiple submitters, no conflicts (2 of 4 stars). 3 submissions from 3 submitters: Benign (1); Likely benign (1). 1 of the submissions does not count toward it. Last evaluated 2025-07-28.

Conditions:
DVL1-related disorder. Also called: DVL1-related condition.

Allele frequency attached by ClinVar (database versions not stated): gnomAD 0.00011; TOPMed 0.00014; ESP Exome Variant Server 0.00023; ExAC 0.00028.
gnomAD v4.1: 282 of 1,580,794 alleles (0.018%); highest among the groups gnomAD compares: Non-Finnish European, 0.023%; 1 homozygote.

Submissions (3):

Labcorp Genetics (formerly Invitae), Labcorp
Classification: Benign. Last evaluated: 2025-07-28. Review status: criteria provided, single submitter. Criteria: Invitae Variant Classification Sherloc (09022015). Collection method: clinical testing. Allele origin: germline.

Blueprint Genetics
Classification: Likely benign. Last evaluated: 2024-03-02. Review status: criteria provided, single submitter. Criteria: ACMG Guidelines, 2015. Collection method: clinical testing. Allele origin: germline.

PreventionGenetics, part of Exact Sciences
Classification: Likely benign for DVL1-related condition. Last evaluated: 2024-04-11. Review status: no assertion criteria provided. Collection method: clinical testing. Allele origin: germline. Not counted in ClinVar's aggregate classification.
Comment: This variant is classified as likely benign based on ACMG/AMP sequence variant interpretation guidelines (Richards et al. 2015 PMID: 25741868, with internal and published modifications).

NM_001330311.2(DVL1):c.457C>T (p.Arg153Cys)

Gene: DVL1 (dishevelled segment polarity protein 1; minus strand). Cytogenetic location: 1p36.33.
Variant type: single nucleotide variant.
Coding change: c.457C>T on transcript NM_001330311.2 (MANE Select); coding-DNA position 457, C replaced by T.
Protein change: p.Arg153Cys; replaces arginine 153 with cysteine.
Molecular consequence: missense variant.
Genome position (GRCh38, 1-based): chr1:1,342,062, G>A on the plus strand (C>T on the coding strand, the complement: DVL1 is on the minus strand). VCF-style: chr1-1342062-G-A. GRCh37 (hg19) VCF-style: chr1-1277442-G-A.
Other names: c.457C>T, p.Arg153Cys (NM_004421.3); c.457C>T (NM_004421.2); short protein forms R153C.
Identifiers: ClinVar variation 2203254 (VCV002203254.5), dbSNP rs143905285, ClinGen allele CA520680.